The following is an entry in ClinVar:

ClinVar aggregate classification (germline): Uncertain significance (1 of 4 stars; one submission).

Allele frequency attached by ClinVar (database versions not stated): gnomAD exomes 0.00002; ExAC 0.00003; TOPMed 0.00005.
gnomAD v4.1: 28 of 1,610,564 alleles (0.0017%); highest among the groups gnomAD compares: Admixed American, 0.045%; no homozygotes.

Submission:

Labcorp Genetics (formerly Invitae), Labcorp
Classification: Uncertain significance. Last evaluated: 2022-04-22. Review status: criteria provided, single submitter. Criteria: Invitae Variant Classification Sherloc (09022015). Collection method: clinical testing. Allele origin: germline.
Comment: This sequence change replaces aspartic acid, which is acidic and polar, with glutamic acid, which is acidic and polar, at codon 521 of the DNAH9 protein (p.Asp521Glu). This variant is present in population databases (rs769544067, gnomAD 0.07%). This variant has not been reported in the literature in individuals affected with DNAH9-related conditions. Algorithms developed to predict the effect of missense changes on protein structure and function (SIFT, PolyPhen-2, Align-GVGD) all suggest that this variant is likely to be tolerated. In summary, the available evidence is currently insufficient to determine the role of this variant in disease. Therefore, it has been classified as a Variant of Uncertain Significance.

NM_001372.4(DNAH9):c.1563T>A (p.Asp521Glu)

Gene: DNAH9 (dynein axonemal heavy chain 9; plus strand). Cytogenetic location: 17p12.
Variant type: single nucleotide variant.
Coding change: c.1563T>A on transcript NM_001372.4 (MANE Select); coding-DNA position 1563, T replaced by A.
Protein change: p.Asp521Glu; replaces aspartic acid 521 with glutamic acid.
Molecular consequence: missense variant.
Genome position (GRCh38, 1-based): chr17:11,632,631, T>A. VCF-style: chr17-11632631-T-A. GRCh37 (hg19) VCF-style: chr17-11535948-T-A.
Other names: short protein forms D521E.
Identifiers: ClinVar variation 1991389 (VCV001991389.1), dbSNP rs769544067, ClinGen allele CA8394893.